The following is an entry in ClinVar:

NM_000059.4(BRCA2):c.4024A>T (p.Ser1342Cys)

Gene: BRCA2 (BRCA2 DNA repair associated; plus strand). Cytogenetic location: 13q13.1.
Variant type: single nucleotide variant.
Coding change: c.4024A>T on transcript NM_000059.4 (MANE Select); coding-DNA position 4024, A replaced by T.
Protein change: p.Ser1342Cys; replaces serine 1342 with cysteine.
Molecular consequence: missense variant. On other transcripts: non-coding transcript variant (1), intron variant (2).
Genome position (GRCh38, 1-based): chr13:32,338,379, A>T. VCF-style: chr13-32338379-A-T. GRCh37 (hg19) VCF-style: chr13-32912516-A-T.
Other names: c.4024A>T, p.Ser1342Cys (NM_001406719.1, NM_001406720.1, NM_001432077.1); c.1909+4992A>T (NM_001406721.1); c.425-6179A>T (NM_001406722.1); short protein forms S1342C.
Identifiers: ClinVar variation 3992774 (VCV003992774.1).
Genomic context (GRCh38, chr13:32,338,379, plus strand): 5'-AACAAATATACTGCTGCCAGTAGAAATTCTCATAACTTAGAATTTGATGGCAGTGATTCA[A>T]GTAAAAATGATACTGTTTGTATTCATAAAGATGAAACGGACTTGCTATTTACTGATCAGC-3'
Protein context (NP_000050.3, residues 1332-1352): HNLEFDGSDS[Ser1342Cys]KNDTVCIHKD

ClinVar aggregate classification (germline): Uncertain significance (1 of 4 stars; one submission).

Conditions:
Hereditary cancer-predisposing syndrome. Also called: Tumor predisposition; Hereditary neoplastic syndrome; Neoplastic Syndromes, Hereditary; Hereditary Cancer Syndrome. Identifiers: Orphanet 140162, MedGen C0027672, MeSH D009386, MONDO:0015356.

Submission:

Ambry Genetics
Classification: Uncertain significance for Hereditary cancer-predisposing syndrome. Last evaluated: 2025-03-27. Review status: criteria provided, single submitter. Criteria: Ambry Variant Classification Scheme 2023. Collection method: clinical testing. Allele origin: germline.
Comment: The p.S1342C variant (also known as c.4024A>T), located in coding exon 10 of the BRCA2 gene, results from an A to T substitution at nucleotide position 4024. The serine at codon 1342 is replaced by cysteine, an amino acid with dissimilar properties. This amino acid position is conserved. In addition, this alteration is predicted to be tolerated by in silico analysis. Based on the available evidence, the clinical significance of this variant remains unclear.